The following is an entry in ClinVar:

ClinVar aggregate classification (germline): Conflicting classifications of pathogenicity. Review status: criteria provided, conflicting classifications (1 of 4 stars). 2 submissions from 2 submitters: Uncertain significance (1); Likely benign (1). Last evaluated 2024-03-22.

Conditions:
Karyomegalic interstitial nephritis. Identifiers: Orphanet 401996, MedGen C3553774, MONDO:0013898, OMIM 614817.

Allele frequency attached by ClinVar (database versions not stated): TOPMed below 0.00001; gnomAD 0.00001.
gnomAD v4.1: 45 of 1,611,442 alleles (0.0028%); highest among the groups gnomAD compares: Middle Eastern, 0.13%; 2 homozygotes.

Submissions (2):

Fulgent Genetics
Classification: Uncertain significance for Karyomegalic interstitial nephritis. Last evaluated: 2024-03-22. Review status: criteria provided, single submitter. Criteria: ACMG Guidelines, 2015. Collection method: clinical testing. Allele origin: germline.

CeGaT Center for Human Genetics Tuebingen
Classification: Likely benign. Last evaluated: 2022-04-01. Review status: criteria provided, single submitter. Criteria: CeGaT Center For Human Genetics Tuebingen Variant Classification Criteria Version 2. Collection method: clinical testing. Allele origin: germline. Affected: yes. Observed: 1 variant allele.
Comment: FAN1: BP4

NM_014967.5(FAN1):c.1227G>C (p.Gln409His)

Gene: FAN1 (FANCD2 and FANCI associated nuclease 1; plus strand). Cytogenetic location: 15q13.3.
Variant type: single nucleotide variant.
Coding change: c.1227G>C on transcript NM_014967.5 (MANE Select); coding-DNA position 1227, G replaced by C.
Protein change: p.Gln409His; replaces glutamine 409 with histidine.
Molecular consequence: missense variant.
Genome position (GRCh38, 1-based): chr15:30,905,890, G>C. VCF-style: chr15-30905890-G-C. GRCh37 (hg19) VCF-style: chr15-31198093-G-C.
Other names: c.1227G>C, p.Gln409His (NM_001146094.2, NM_001146095.1, NM_001146096.2); short protein forms Q409H.
Identifiers: ClinVar variation 2645110 (VCV002645110.25), dbSNP rs866101912, ClinGen allele CA267513391.